The following is an entry in ClinVar:

ClinVar aggregate classification (germline): Likely pathogenic (1 of 4 stars; one submission).

Submission:

Labcorp Genetics (formerly Invitae), Labcorp
Classification: Likely pathogenic. Last evaluated: 2024-07-01. Review status: criteria provided, single submitter. Criteria: Invitae Variant Classification Sherloc (09022015). Collection method: clinical testing. Allele origin: germline.
Comment: This sequence change replaces proline, which is neutral and non-polar, with threonine, which is neutral and polar, at codon 50 of the PAX3 protein (p.Pro50Thr). This variant is not present in population databases (gnomAD no frequency). This missense change has been observed in individual(s) with clinical features of autosomal dominant Waardenburg syndrome (Invitae). Advanced modeling of protein sequence and biophysical properties (such as structural, functional, and spatial information, amino acid conservation, physicochemical variation, residue mobility, and thermodynamic stability) performed at Invitae indicates that this missense variant is expected to disrupt PAX3 protein function with a positive predictive value of 95%. This variant disrupts the p.Pro50 amino acid residue in PAX3. Other variant(s) that disrupt this residue have been determined to be pathogenic (PMID: 1347149). This suggests that this residue is clinically significant, and that variants that disrupt this residue are likely to be disease-causing. In summary, the currently available evidence indicates that the variant is pathogenic, but additional data are needed to prove that conclusively. Therefore, this variant has been classified as Likely Pathogenic.

Literature cited by the submitters: PubMed 1347149.

NM_181458.4(PAX3):c.148C>A (p.Pro50Thr)

Gene: PAX3 (paired box 3; minus strand). Cytogenetic location: 2q36.1.
Variant type: single nucleotide variant.
Coding change: c.148C>A on transcript NM_181458.4 (MANE Select); coding-DNA position 148, C replaced by A.
Protein change: p.Pro50Thr; replaces proline 50 with threonine.
Molecular consequence: missense variant.
Genome position (GRCh38, 1-based): chr2:222,297,151, G>T on the plus strand (C>A on the coding strand, the complement: PAX3 is on the minus strand). VCF-style: chr2-222297151-G-T. GRCh37 (hg19) VCF-style: chr2-223161870-G-T.
Other names: c.148C>A, p.Pro50Thr (NM_181459.4, NM_181460.4, NM_181461.4 and 4 more transcripts); short protein forms P50T.
Identifiers: ClinVar variation 3658450 (VCV003658450.2).
Genomic context (GRCh38, chr2:222,297,151, plus strand): 5'-AGGGCCGGATGCCGTGGTGGGCCATCTCCACGATCTTGTGGCGGATGTGGTTGGGCAGCG[G>T]CCTGCCGTTGATAAAAACACCGCCGAGCTGGTTGACGCGGCCCTGGCCGAGGGGAGTGGA-3'
Protein context (NP_852123.1, residues 40-60): QLGGVFINGR[Pro50Thr]LPNHIRHKIV